The following is an entry in ClinVar:

NM_005984.5(SLC25A1):c.631+18G>A

Gene: SLC25A1 (solute carrier family 25 member 1; minus strand). Cytogenetic location: 22q11.21.
Variant type: single nucleotide variant.
Coding change: c.631+18G>A on transcript NM_005984.5 (MANE Select); 18 bases into the intron after coding-DNA position 631, G replaced by A.
Molecular consequence: intron variant.
Genome position (GRCh38, 1-based): chr22:19,176,828, C>T on the plus strand (G>A on the coding strand, the complement: SLC25A1 is on the minus strand). VCF-style: chr22-19176828-C-T. GRCh37 (hg19) VCF-style: chr22-19164341-C-T.
Other names: c.322+18G>A (NM_001287387.2); c.652+18G>A (NM_001256534.2).
Identifiers: ClinVar variation 518147 (VCV000518147.7), dbSNP rs373673144, ClinGen allele CA10097366.
Genomic context (GRCh38, chr22:19,176,828, plus strand): 5'-CCGCCACCCAGGGGTGGCCCCAAGGAGAGGAGAGGAGCTGGCCATGTGCAGAGATGGGGC[C>T]CTGTGATGCAGACACACCTCGGTACCAGTTGCGCAGGGAGGTCATGACGAAGAAGCGGAT-3'

ClinVar aggregate classification (germline): Likely benign. Review status: criteria provided, multiple submitters, no conflicts (2 of 4 stars). 3 submissions from 3 submitters: Likely benign (3). Last evaluated 2025-11-21.

Allele frequency attached by ClinVar (database versions not stated): ExAC 0.00007; gnomAD exomes 0.00009; 1000 Genomes Project 30x 0.00016; 1000 Genomes Project 0.00020; gnomAD 0.00035 and 0.00037; TOPMed 0.00049; ESP Exome Variant Server 0.00054.

Submissions (3):

Labcorp Genetics (formerly Invitae), Labcorp
Classification: Likely benign. Last evaluated: 2025-11-21. Review status: criteria provided, single submitter. Criteria: Invitae Variant Classification Sherloc (09022015). Collection method: clinical testing. Allele origin: germline.

Blueprint Genetics
Classification: Likely benign. Last evaluated: 2023-11-13. Review status: criteria provided, single submitter. Criteria: ACMG Guidelines, 2015. Collection method: clinical testing. Allele origin: germline.

GeneDx
Classification: Likely benign. Last evaluated: 2017-07-05. Review status: criteria provided, single submitter. Criteria: GeneDx Variant Classification (06012015). Collection method: clinical testing. Allele origin: germline. Affected: yes.
Comment: This variant is considered likely benign or benign based on one or more of the following criteria: it is a conservative change, it occurs at a poorly conserved position in the protein, it is predicted to be benign by multiple in silico algorithms, and/or has population frequency not consistent with disease.